The following is an entry in ClinVar:

NM_012295.4(CABIN1):c.2446C>T (p.Leu816Phe)

Gene: CABIN1 (calcineurin binding protein 1; plus strand). Cytogenetic location: 22q11.23.
Variant type: single nucleotide variant.
Coding change: c.2446C>T on transcript NM_012295.4 (MANE Select); coding-DNA position 2446, C replaced by T.
Protein change: p.Leu816Phe; replaces leucine 816 with phenylalanine.
Molecular consequence: missense variant.
Genome position (GRCh38, 1-based): chr22:24,071,013, C>T. VCF-style: chr22-24071013-C-T. GRCh37 (hg19) VCF-style: chr22-24466964-C-T.
Other names: c.2446C>T, p.Leu816Phe (NM_001199281.1); c.2296C>T, p.Leu766Phe (NM_001201429.2); c.2446C>T (NM_012295.3); short protein forms L766F, L816F.
Identifiers: ClinVar variation 2652980 (VCV002652980.25), dbSNP rs62231971, ClinGen allele CA10148885.

ClinVar aggregate classification (germline): Likely benign. Review status: criteria provided, single submitter (1 of 4 stars). 2 submissions from 2 submitters: Likely benign (1). 1 of the submissions does not count toward it. Last evaluated 2022-08-01.

Conditions:
CABIN1-related disorder. Also called: CABIN1-related condition.

Allele frequency attached by ClinVar (database versions not stated): 1000 Genomes Project 30x 0.00047; 1000 Genomes Project 0.00060; TOPMed 0.00263; ExAC 0.00290; ESP Exome Variant Server 0.00323; gnomAD 0.00327; gnomAD exomes 0.00477.
gnomAD v4.1: 7,326 of 1,614,232 alleles (0.45%); highest among the groups gnomAD compares: Non-Finnish European, 0.56%; 28 homozygotes.

Submissions (2):

CeGaT Center for Human Genetics Tuebingen
Classification: Likely benign. Last evaluated: 2022-08-01. Review status: criteria provided, single submitter. Criteria: CeGaT Center For Human Genetics Tuebingen Variant Classification Criteria Version 2. Collection method: clinical testing. Allele origin: germline. Affected: yes. Observed: 1 variant allele.
Comment: CABIN1: BP4, BS2

PreventionGenetics, part of Exact Sciences
Classification: Likely benign for CABIN1-related condition. Last evaluated: 2019-09-25. Review status: no assertion criteria provided. Collection method: clinical testing. Allele origin: germline. Not counted in ClinVar's aggregate classification.
Comment: This variant is classified as likely benign based on ACMG/AMP sequence variant interpretation guidelines (Richards et al. 2015 PMID: 25741868, with internal and published modifications).